The following is an entry in ClinVar:

ClinVar aggregate classification (germline): Uncertain significance (1 of 4 stars; one submission).

gnomAD v4.1: 1 of 1,614,020 alleles (0.000062%); highest among the groups gnomAD compares: Non-Finnish European, 0.000085%; no homozygotes.

Submission:

Labcorp Genetics (formerly Invitae), Labcorp
Classification: Uncertain significance. Last evaluated: 2021-08-08. Review status: criteria provided, single submitter. Criteria: Invitae Variant Classification Sherloc (09022015). Collection method: clinical testing. Allele origin: germline.
Comment: This sequence change replaces proline with threonine at codon 244 of the KIAA1549 protein (p.Pro244Thr). The proline residue is moderately conserved and there is a small physicochemical difference between proline and threonine. This variant is not present in population databases (ExAC no frequency). This variant has not been reported in the literature in individuals affected with KIAA1549-related conditions. Algorithms developed to predict the effect of missense changes on protein structure and function are either unavailable or do not agree on the potential impact of this missense change (SIFT: "Deleterious"; PolyPhen-2: "Possibly Damaging"; Align-GVGD: "Class C0"). In summary, the available evidence is currently insufficient to determine the role of this variant in disease. Therefore, it has been classified as a Variant of Uncertain Significance.

NM_001164665.2(KIAA1549):c.730C>A (p.Pro244Thr)

Gene: KIAA1549 (KIAA1549; minus strand). Cytogenetic location: 7q34.
Variant type: single nucleotide variant.
Coding change: c.730C>A on transcript NM_001164665.2 (MANE Select); coding-DNA position 730, C replaced by A.
Protein change: p.Pro244Thr; replaces proline 244 with threonine.
Molecular consequence: missense variant.
Genome position (GRCh38, 1-based): chr7:138,918,896, G>T on the plus strand (C>A on the coding strand, the complement: KIAA1549 is on the minus strand). VCF-style: chr7-138918896-G-T. GRCh37 (hg19) VCF-style: chr7-138603642-G-T.
Other names: c.730C>A, p.Pro244Thr (NM_020910.3); short protein forms P244T.
Identifiers: ClinVar variation 1466096 (VCV001466096.6), dbSNP rs759573104, ClinGen allele CA369402083.